The following is an entry in ClinVar:

ClinVar aggregate classification (germline): Uncertain significance. Review status: criteria provided, multiple submitters, no conflicts (2 of 4 stars). 2 submissions from 2 submitters: Uncertain significance (2). Last evaluated 2024-11-18.

Conditions:
Lowe syndrome (OCRL). Also called: LOWE OCULOCEREBRORENAL SYNDROME; PHOSPHATIDYLINOSITOL 4,5-BISPHOSPHATE 5-PHOSPHATASE DEFICIENCY; Oculocerebrorenal Syndrome. Identifiers: Orphanet 534, MedGen C0028860, MONDO:0010645, OMIM 309000.
Dent disease type 2. Identifiers: Orphanet 1652, Orphanet 93623, MedGen C1845167, MONDO:0010359, OMIM 300555.

Allele frequency attached by ClinVar (database versions not stated): gnomAD exomes 0.00001 and 0.00002; ExAC 0.00002; TOPMed 0.00004; gnomAD 0.00006; ESP Exome Variant Server 0.00009; 1000 Genomes Project 30x 0.00042; 1000 Genomes Project 0.00053.
gnomAD v4.1: 18 of 1,204,578 alleles (0.0015%); highest among the groups gnomAD compares: African/African-American, 0.026%; no homozygotes.

Submissions (4):

Labcorp Genetics (formerly Invitae), Labcorp
Classification: Uncertain significance for Lowe syndrome. Last evaluated: 2024-11-18. Review status: criteria provided, single submitter. Criteria: Invitae Variant Classification Sherloc (09022015). Collection method: clinical testing. Allele origin: germline.
Comment: This sequence change replaces lysine, which is basic and polar, with arginine, which is basic and polar, at codon 713 of the OCRL protein (p.Lys713Arg). This variant is present in population databases (rs148646884, gnomAD 0.03%). This variant has not been reported in the literature in individuals affected with OCRL-related conditions. ClinVar contains an entry for this variant (Variation ID: 1401454). An algorithm developed to predict the effect of missense changes on protein structure and function (PolyPhen-2) suggests that this variant is likely to be disruptive. Algorithms developed to predict the effect of sequence changes on RNA splicing suggest that this variant may disrupt the consensus splice site. In summary, the available evidence is currently insufficient to determine the role of this variant in disease. Therefore, it has been classified as a Variant of Uncertain Significance.

Fulgent Genetics
Classification: Uncertain significance for Dent disease type 2; Lowe syndrome. Last evaluated: 2022-02-07. Review status: criteria provided, single submitter. Criteria: ACMG Guidelines, 2015. Collection method: clinical testing. Allele origin: unknown.

Dr. Peter K. Rogan Lab, Western University
No classification provided (evidence only). Condition: Nonpapillary renal cell carcinoma. Review status: no classification provided. Collection method: in vitro. Allele origin: not applicable. Functional consequence: retained intron. Not counted in ClinVar's aggregate classification.

Dr. Peter K. Rogan Lab, Western University
No classification provided (evidence only). Condition: Nonpapillary renal cell carcinoma. Review status: no classification provided. Collection method: in vitro. Allele origin: not applicable. Functional consequence: retained intron. Not counted in ClinVar's aggregate classification.

NM_000276.4(OCRL):c.2138A>G (p.Lys713Arg)

Gene: OCRL (OCRL inositol polyphosphate-5-phosphatase; plus strand). Cytogenetic location: Xq26.1.
Variant type: single nucleotide variant.
Coding change: c.2138A>G on transcript NM_000276.4 (MANE Select); coding-DNA position 2138, A replaced by G.
Protein change: p.Lys713Arg; replaces lysine 713 with arginine.
Molecular consequence: missense variant. On other transcripts: intron variant (1).
Genome position (GRCh38, 1-based): chrX:129,584,366, A>G. VCF-style: chrX-129584366-A-G. GRCh37 (hg19) VCF-style: chrX-128718343-A-G.
Other names: c.2141A>G, p.Lys714Arg (NM_001318784.2); c.2116-2636A>G (NM_001587.4); short protein forms K714R, K713R.
Identifiers: ClinVar variation 1401454 (VCV001401454.7), dbSNP rs148646884, ClinGen allele CA10512292.